The following is an entry in ClinVar:

ClinVar aggregate classification (germline): Pathogenic/Likely pathogenic. Review status: criteria provided, multiple submitters, no conflicts (2 of 4 stars). 5 submissions from 5 submitters: Pathogenic (2); Likely pathogenic (2). 1 of the submissions does not count toward it. Last evaluated 2025-09-09.

Conditions:
Porokeratosis 1, Mibelli type (POROK1). Also called: Porokeratosis 1, multiple types. Identifiers: MedGen CN297066, MONDO:0008290, OMIM 175800.
PMVK-related disorder. Also called: PMVK-related condition.
Linear porokeratosis. Identifiers: MedGen C0302319, MeSH D017499, MONDO:0023246.

Allele frequency attached by ClinVar (database versions not stated): ESP Exome Variant Server 0.00008; gnomAD exomes 0.00008 and 0.00011; TOPMed 0.00012; ExAC 0.00015; gnomAD 0.00015 and 0.00016; 1000 Genomes Project 30x 0.00016; 1000 Genomes Project 0.00020.
gnomAD v4.1: 132 of 1,606,130 alleles (0.0082%); highest among the groups gnomAD compares: Admixed American, 0.059%; no homozygotes.

Submissions (5):

PreventionGenetics, part of Exact Sciences
Classification: Pathogenic for PMVK-related condition. Last evaluated: 2025-09-09. Review status: criteria provided, single submitter. Criteria: ACMG Guidelines, 2015. Collection method: clinical testing. Allele origin: germline.
Comment: The PMVK c.79G>T variant is predicted to result in premature protein termination (p.Glu27*). This variant was reported in the germline of an individual with porokeratosis. This patient also carried a second somatic variant in PMVK in affected areas (p.Q127X, Atzmony et al. 2019. PubMed ID: 30942823). This variant is reported in 0.050% of alleles in individuals of Latino descent in gnomAD. Nonsense variants in PMVK are expected to be pathogenic. This variant is interpreted as pathogenic.

Department of Pathology and Laboratory Medicine, Sinai Health System
Classification: Likely pathogenic for Porokeratosis 1, Mibelli type. Last evaluated: 2023-10-16. Review status: criteria provided, single submitter. Criteria: ACMG Guidelines, 2015. Collection method: research. Allele origin: germline.

Revvity Omics, Revvity
Classification: Likely pathogenic for Porokeratosis 1, Mibelli type. Last evaluated: 2022-05-05. Review status: criteria provided, single submitter. Criteria: ACMG Guidelines, 2015. Collection method: clinical testing. Allele origin: germline.

CeGaT Center for Human Genetics Tuebingen
Classification: Pathogenic. Last evaluated: 2021-06-01. Review status: criteria provided, single submitter. Criteria: CeGaT Center For Human Genetics Tuebingen Variant Classification Criteria Version 2. Collection method: clinical testing. Allele origin: germline. Affected: yes. Observed: 2 variant alleles.

Yale Center for Mendelian Genomics, Yale University
Classification: Likely pathogenic for Linear porokeratosis. Last evaluated: 2019-05-01. Review status: no assertion criteria provided. Collection method: literature only. Allele origin: germline. Affected: yes. Observed: 1 compound heterozygote. Study: Yale Center for Mendelian Genomics. Not counted in ClinVar's aggregate classification.

Literature cited by the submitters: PubMed 30942823 (cited by Yale Center for Mendelian Genomics, Yale University).

NM_006556.4(PMVK):c.79G>T (p.Glu27Ter)

Gene: PMVK (phosphomevalonate kinase; minus strand). Cytogenetic location: 1q21.3.
Variant type: single nucleotide variant.
Coding change: c.79G>T on transcript NM_006556.4 (MANE Select); coding-DNA position 79, G replaced by T.
Protein change: p.Glu27Ter; replaces glutamic acid 27 with a stop codon.
Molecular consequence: nonsense. On other transcripts: 5 prime UTR variant (2), intron variant (1).
Genome position (GRCh38, 1-based): chr1:154,936,607, C>A on the plus strand (G>T on the coding strand, the complement: PMVK is on the minus strand). VCF-style: chr1-154936607-C-A. GRCh37 (hg19) VCF-style: chr1-154909083-C-A.
Other names: c.-160G>T (NM_001323011.3); c.-28G>T (NM_001348696.2); c.79G>T (NM_006556.3); c.-130-4192G>T (NM_001323012.3); short protein forms E27*.
Identifiers: ClinVar variation 1012741 (VCV001012741.45), dbSNP rs373000976, ClinGen allele CA1132614.